The following is an entry in ClinVar:

NM_025114.4(CEP290):c.4195-9T>C

Gene: CEP290 (centrosomal protein 290; minus strand). Cytogenetic location: 12q21.32.
Variant type: single nucleotide variant.
Coding change: c.4195-9T>C on transcript NM_025114.4 (MANE Select); 9 bases into the intron before coding-DNA position 4195, T replaced by C.
Molecular consequence: intron variant.
Genome position (GRCh38, 1-based): chr12:88,086,507, A>G on the plus strand (T>C on the coding strand, the complement: CEP290 is on the minus strand). VCF-style: chr12-88086507-A-G. GRCh37 (hg19) VCF-style: chr12-88480284-A-G.
Identifiers: ClinVar variation 1082548 (VCV001082548.10), dbSNP rs546957016, ClinGen allele CA6712001.

ClinVar aggregate classification (germline): Conflicting classifications of pathogenicity. Review status: criteria provided, conflicting classifications (1 of 4 stars). 2 submissions from 2 submitters: Uncertain significance (1); Likely benign (1). Last evaluated 2025-01-27.

Conditions:
Joubert syndrome. Also called: Familial aplasia of the vermis; CEREBELLOPARENCHYMAL DISORDER IV; JOUBERT-BOLTSHAUSER SYNDROME. Identifiers: Orphanet 475, MedGen C5979921, MONDO:0018772.
Meckel-Gruber syndrome. Also called: Dysencephalia splachnocystica; DYSENCEPHALIA SPLANCHNOCYSTICA; GRUBER SYNDROME. Identifiers: Orphanet 564, MedGen C0265215, MONDO:0018921.
Nephronophthisis. Also called: Juvenile Nephronophthisis. Identifiers: Orphanet 655, MedGen C0687120, MONDO:0019005, HP:0000090.

Allele frequency attached by ClinVar (database versions not stated): gnomAD exomes 0.00001 and 0.00005; TOPMed 0.00002; gnomAD 0.00003; ExAC 0.00010; 1000 Genomes Project 30x 0.00016; 1000 Genomes Project 0.00020.
gnomAD v4.1: 15 of 1,572,748 alleles (0.00095%); highest among the groups gnomAD compares: East Asian, 0.032%; no homozygotes.

Submissions (2):

Labcorp Genetics (formerly Invitae), Labcorp
Classification: Likely benign for Joubert syndrome; Meckel-Gruber syndrome; Nephronophthisis. Last evaluated: 2025-01-27. Review status: criteria provided, single submitter. Criteria: Invitae Variant Classification Sherloc (09022015). Collection method: clinical testing. Allele origin: germline.

GeneDx
Classification: Uncertain significance. Last evaluated: 2022-02-01. Review status: criteria provided, single submitter. Criteria: GeneDx Variant Classification Process June 2021. Collection method: clinical testing. Allele origin: germline. Affected: yes.
Comment: In silico analysis supports that this variant does not alter splicing; Has not been previously published as pathogenic or benign to our knowledge